The following is an entry in ClinVar:

ClinVar aggregate classification (germline): Uncertain significance (1 of 4 stars; one submission).

Submission:

Labcorp Genetics (formerly Invitae), Labcorp
Classification: Uncertain significance. Last evaluated: 2023-04-22. Review status: criteria provided, single submitter. Criteria: Invitae Variant Classification Sherloc (09022015). Collection method: clinical testing. Allele origin: germline.
Comment: This sequence change falls in intron 14 of the FOXP1 gene. It does not directly change the encoded amino acid sequence of the FOXP1 protein. It affects a nucleotide within the consensus splice site. This variant is not present in population databases (gnomAD no frequency). This variant has not been reported in the literature in individuals affected with FOXP1-related conditions. Variants that disrupt the consensus splice site are a relatively common cause of aberrant splicing (PMID: 17576681, 9536098). Algorithms developed to predict the effect of sequence changes on RNA splicing suggest that this variant may disrupt the consensus splice site. In summary, the available evidence is currently insufficient to determine the role of this variant in disease. Therefore, it has been classified as a Variant of Uncertain Significance.

Literature cited by the submitters: PubMed 17576681; PubMed 9536098.

NM_001349338.3(FOXP1):c.1146+5G>A

Gene: FOXP1 (forkhead box P1; minus strand). Cytogenetic location: 3p13.
Variant type: single nucleotide variant.
Coding change: c.1146+5G>A on transcript NM_001349338.3 (MANE Select); 5 bases into the intron after coding-DNA position 1146, G replaced by A.
Molecular consequence: intron variant.
Genome position (GRCh38, 1-based): chr3:70,987,989, C>T on the plus strand (G>A on the coding strand, the complement: FOXP1 is on the minus strand). VCF-style: chr3-70987989-C-T. GRCh37 (hg19) VCF-style: chr3-71037140-C-T.
Other names: c.1146+5G>A (NM_001244810.2, NM_032682.6, NM_001349340.3 and 3 more transcripts); c.1143+5G>A (NM_001349341.3); c.918+5G>A (NM_001244812.3); c.843+5G>A (NM_001349343.3, NM_001349337.2, NM_001349344.3); c.846+5G>A (NM_001349342.3, NM_001370548.1, NM_001244815.2 and 1 more transcripts).
Identifiers: ClinVar variation 2858354 (VCV002858354.3), dbSNP rs1553678368, ClinGen allele CA2739279779.